The following is an entry in ClinVar:

ClinVar aggregate classification (germline): Conflicting classifications of pathogenicity. Review status: criteria provided, conflicting classifications (1 of 4 stars). 5 submissions from 5 submitters: Likely pathogenic (3); Uncertain significance (2). Last evaluated 2026-06-10.

Conditions:
PKD1-related disorder. Also called: PKD1-related condition.
Polycystic kidney disease, adult type (PKD1). Also called: Polycystic Kidney Disease 1, Autosomal Dominant; Polycystic kidney disease 1; Polycystic kidney disease 1, severe; Polycystic Kidney, Autosomal Dominant; POLYCYSTIC KIDNEY DISEASE 1 WITH OR WITHOUT POLYCYSTIC LIVER DISEASE; POLYCYSTIC KIDNEY DISEASE, ADULT, TYPE I. Identifiers: MedGen C3149841, MONDO:0008263, OMIM 173900.

Submissions (5):

GeneDx
Classification: Likely pathogenic. Last evaluated: 2026-06-10. Review status: criteria provided, single submitter. Criteria: GeneDx Variant Classification Process June 2021. Collection method: clinical testing. Allele origin: germline.
Comment: In-frame deletion of 1 amino acid(s) in a non-repeat region; In silico analysis supports a deleterious effect on protein structure/function; Not observed at significant frequency in large population cohorts (gnomAD); This variant is associated with the following publications: (PMID: 29529603)

Women's Health and Genetics/Laboratory Corporation of America, LabCorp
Classification: Uncertain significance. Last evaluated: 2026-04-13. Review status: criteria provided, single submitter. Criteria: LabCorp Variant Classification Summary - May 2015. Collection method: clinical testing. Allele origin: germline.
Comment: Variant summary: PKD1 c.7825_7827delATC (p.Ile2609del) results in an in-frame deletion that is predicted to remove one amino acid from the encoded protein. The variant was absent in 232280 control chromosomes (gnomAD). c.7825_7827delATC has been observed in two individuals from the same family affected with Polycystic Kidney Disease 1 (Xu_2018). These data indicate that the variant may be associated with disease. To our knowledge, no experimental evidence demonstrating an impact on protein function has been reported. The following publication has been ascertained in the context of this evaluation (PMID: 29529603). ClinVar contains an entry for this variant (Variation ID: 2570925). Based on the evidence outlined above, the variant was classified as VUS-possibly pathogenic.

Blueprint Genetics
Classification: Likely pathogenic for PKD1-related disorders. Last evaluated: 2024-04-12. Review status: criteria provided, single submitter. Criteria: ACMG Guidelines, 2015. Collection method: clinical testing. Allele origin: germline. Affected: yes. Observed: 2 variant alleles.

CeGaT Center for Human Genetics Tuebingen
Classification: Likely pathogenic. Last evaluated: 2023-06-01. Review status: criteria provided, single submitter. Criteria: CeGaT Center For Human Genetics Tuebingen Variant Classification Criteria Version 2. Collection method: clinical testing. Allele origin: germline. Affected: yes. Observed: 1 variant allele.
Comment: PKD1: PM2, PM6, PS4:Moderate

Department of Pathology and Laboratory Medicine, Sinai Health System
Classification: Uncertain significance for Polycystic kidney disease, adult type. Last evaluated: 2020-03-09. Review status: criteria provided, single submitter. Criteria: ACMG Guidelines, 2015. Collection method: clinical testing. Allele origin: germline. Affected: yes.

Literature cited by the submitters: PubMed 29529603 (cited by Women's Health and Genetics/Laboratory Corporation of America, LabCorp and Department of Pathology and Laboratory Medicine, Sinai Health System).

NM_001009944.3(PKD1):c.7825_7827del (p.Ile2609del)

Gene: PKD1 (polycystin 1, transient receptor potential channel interacting; minus strand). Cytogenetic location: 16p13.3.
Variant type: Deletion.
Coding change: c.7825_7827del on transcript NM_001009944.3 (MANE Select); coding-DNA positions 7825 to 7827, 3 bases deleted (ATC; older notation c.7825_7827delATC).
Protein change: p.Ile2609del; deletes isoleucine 2609.
Molecular consequence: inframe deletion. On other transcripts: inframe indel (1).
Genome position (GRCh38, 1-based): chr16:2,105,901-2,105,903, GAT deleted on the plus strand (ATC on the coding strand, the reverse complement: PKD1 is on the minus strand); deleting any 3 consecutive bases within chr16:2,105,901-2,105,905 gives the same sequence; the c. name uses the placement nearest the transcript's 3' end. VCF-style (leftmost placement, unchanged base first): chr16-2105900-CGAT-C. GRCh37 (hg19) VCF-style: chr16-2155901-CGAT-C.
Other names: c.7825_7827del, p.Ile2609del (NM_000296.4); c.7823_7825delTCA, p.Ile2609del (NM_001009944.2); c.7825_7827delATC (NM_001009944.3); short protein forms I2609del.
Identifiers: ClinVar variation 2570925 (VCV002570925.31), dbSNP rs2544775146, ClinGen allele CA2580612719.